The following is an entry in ClinVar:

ClinVar aggregate classification (germline): Likely benign (0 of 4 stars; one submission).

Conditions:
EPPK1-related disorder. Also called: EPPK1-related condition.

Allele frequency attached by ClinVar (database versions not stated): ExAC 0.00025; 1000 Genomes Project 0.00080; gnomAD 0.00082; TOPMed 0.00092; 1000 Genomes Project 30x 0.00094; ESP Exome Variant Server 0.00106.
gnomAD v4.1: 259 of 1,610,468 alleles (0.016%); highest among the groups gnomAD compares: African/African-American, 0.27%; 1 homozygote.

Submission:

PreventionGenetics, part of Exact Sciences
Classification: Likely benign for EPPK1-related condition. Last evaluated: 2022-08-29. Review status: no assertion criteria provided. Collection method: clinical testing. Allele origin: germline.
Comment: This variant is classified as likely benign based on ACMG/AMP sequence variant interpretation guidelines (Richards et al. 2015 PMID: 25741868, with internal and published modifications).

NM_031308.4(EPPK1):c.3906C>T (p.Asp1302=)

Gene: EPPK1 (epiplakin 1; minus strand). Cytogenetic location: 8q24.3.
Variant type: single nucleotide variant.
Coding change: c.3906C>T on transcript NM_031308.4 (MANE Select); coding-DNA position 3906, C replaced by T.
Protein change: p.Asp1302=; no amino-acid change (aspartic acid 1302 retained).
Molecular consequence: synonymous variant.
Genome position (GRCh38, 1-based): chr8:143,869,348, G>A on the plus strand (C>T on the coding strand, the complement: EPPK1 is on the minus strand). VCF-style: chr8-143869348-G-A. GRCh37 (hg19) VCF-style: chr8-144943516-G-A.
Identifiers: ClinVar variation 3035509 (VCV003035509.2), dbSNP rs377549667, ClinGen allele CA4922655.